The following is an entry in ClinVar:

ClinVar aggregate classification (germline): Likely benign. Review status: criteria provided, multiple submitters, no conflicts (2 of 4 stars). 3 submissions from 3 submitters: Likely benign (2). 1 of the submissions does not count toward it. Last evaluated 2026-01-24.

Conditions:
LRIT3-related disorder. Also called: LRIT3-related condition.

Allele frequency attached by ClinVar (database versions not stated): gnomAD exomes 0.00015 and 0.00022; ExAC 0.00032; ESP Exome Variant Server 0.00066; gnomAD 0.00149 and 0.00159; 1000 Genomes Project 30x 0.00156; TOPMed 0.00160; 1000 Genomes Project 0.00180.

Submissions (3):

Labcorp Genetics (formerly Invitae), Labcorp
Classification: Likely benign. Last evaluated: 2026-01-24. Review status: criteria provided, single submitter. Criteria: Invitae Variant Classification Sherloc (09022015). Collection method: clinical testing. Allele origin: germline.

Blueprint Genetics
Classification: Likely benign. Last evaluated: 2024-06-05. Review status: criteria provided, single submitter. Criteria: ACMG Guidelines, 2015. Collection method: clinical testing. Allele origin: germline.

PreventionGenetics, part of Exact Sciences
Classification: Likely benign for LRIT3-related condition. Last evaluated: 2023-09-05. Review status: no assertion criteria provided. Collection method: clinical testing. Allele origin: germline. Not counted in ClinVar's aggregate classification.
Comment: This variant is classified as likely benign based on ACMG/AMP sequence variant interpretation guidelines (Richards et al. 2015 PMID: 25741868, with internal and published modifications).

NM_198506.5(LRIT3):c.242T>C (p.Val81Ala)

Gene: LRIT3 (leucine rich repeat, Ig-like and transmembrane domains 3; plus strand). Cytogenetic location: 4q25.
Variant type: single nucleotide variant.
Coding change: c.242T>C on transcript NM_198506.5 (MANE Select); coding-DNA position 242, T replaced by C.
Protein change: p.Val81Ala; replaces valine 81 with alanine.
Molecular consequence: missense variant.
Genome position (GRCh38, 1-based): chr4:109,851,629, T>C. VCF-style: chr4-109851629-T-C. GRCh37 (hg19) VCF-style: chr4-110772785-T-C.
Other names: c.242T>C (NM_198506.4); short protein forms V81A.
Identifiers: ClinVar variation 1160744 (VCV001160744.10), dbSNP rs189057581, ClinGen allele CA3042980.